The following is an entry in ClinVar:

NM_001365951.3(KIF1B):c.2897G>A (p.Arg966Gln)

Genes: KIF1B (kinesin family member 1B; plus strand), LOC126805614 (BRD4-independent group 4 enhancer GRCh37_chr1:10385546-10386745; plus strand). Cytogenetic location: 1p36.22.
Variant type: single nucleotide variant.
Coding change: c.2897G>A on transcript NM_001365951.3 (MANE Select); coding-DNA position 2897, G replaced by A.
Protein change: p.Arg966Gln; replaces arginine 966 with glutamine.
Molecular consequence: missense variant.
Genome position (GRCh38, 1-based): chr1:10,326,332, G>A. VCF-style: chr1-10326332-G-A. GRCh37 (hg19) VCF-style: chr1-10386390-G-A.
Other names: c.2897G>A, p.Arg966Gln (NM_001365952.1); c.2759G>A, p.Arg920Gln (NM_015074.3); short protein forms R920Q, R966Q.
Identifiers: ClinVar variation 1795641 (VCV001795641.2), dbSNP rs757199221, ClinGen allele CA581636.

ClinVar aggregate classification (germline): Uncertain significance (1 of 4 stars; one submission).

Allele frequency attached by ClinVar (database versions not stated): TOPMed below 0.00001; ExAC 0.00001; gnomAD 0.00001.
gnomAD v4.1: 2 of 1,614,062 alleles (0.00012%); highest among the groups gnomAD compares: African/African-American, 0.0013%; no homozygotes.

Submission:

Ambry Genetics
Classification: Uncertain significance. Last evaluated: 2024-03-01. Review status: criteria provided, single submitter. Criteria: Ambry Variant Classification Scheme 2023. Collection method: clinical testing. Allele origin: germline.
Comment: The p.R920Q variant (also known as c.2759G>A), located in coding exon 24 of the KIF1B gene, results from a G to A substitution at nucleotide position 2759. The arginine at codon 920 is replaced by glutamine, an amino acid with highly similar properties. This amino acid position is highly conserved in available vertebrate species. In addition, this alteration is predicted to be deleterious by in silico analysis. Since supporting evidence is limited at this time, the clinical significance of this alteration remains unclear.